The following is an entry in ClinVar:

ClinVar aggregate classification (germline): Uncertain significance. Review status: criteria provided, multiple submitters, no conflicts (2 of 4 stars). 2 submissions from 2 submitters: Uncertain significance (2). Last evaluated 2024-03-26.

Allele frequency attached by ClinVar (database versions not stated): TOPMed 0.00001; ExAC 0.00002.
gnomAD v4.1: 8 of 1,613,422 alleles (0.0005%); highest among the groups gnomAD compares: Middle Eastern, 0.016%; no homozygotes.

Submissions (2):

Labcorp Genetics (formerly Invitae), Labcorp
Classification: Uncertain significance. Last evaluated: 2024-03-26. Review status: criteria provided, single submitter. Criteria: Invitae Variant Classification Sherloc (09022015). Collection method: clinical testing. Allele origin: germline.
Comment: This sequence change replaces arginine, which is basic and polar, with tryptophan, which is neutral and slightly polar, at codon 524 of the COL11A1 protein (p.Arg524Trp). This variant is present in population databases (rs771139447, gnomAD 0.002%). This missense change has been observed in individual(s) with clinical features of COL11A1-related conditions (PMID: 35457050). ClinVar contains an entry for this variant (Variation ID: 1704154). An algorithm developed to predict the effect of missense changes on protein structure and function (PolyPhen-2) suggests that this variant is likely to be disruptive. In summary, the available evidence is currently insufficient to determine the role of this variant in disease. Therefore, it has been classified as a Variant of Uncertain Significance.

GeneDx
Classification: Uncertain significance. Last evaluated: 2022-03-02. Review status: criteria provided, single submitter. Criteria: GeneDx Variant Classification Process June 2021. Collection method: clinical testing. Allele origin: germline. Affected: yes.
Comment: Not observed at significant frequency in large population cohorts (gnomAD); In silico analysis supports that this missense variant has a deleterious effect on protein structure/function; Has not been previously published as pathogenic or benign to our knowledge

Literature cited by the submitters: PubMed 35457050 (cited by Labcorp Genetics (formerly Invitae), Labcorp).

NM_001854.4(COL11A1):c.1570C>T (p.Arg524Trp)

Gene: COL11A1 (collagen type XI alpha 1 chain; minus strand). Cytogenetic location: 1p21.1.
Variant type: single nucleotide variant.
Coding change: c.1570C>T on transcript NM_001854.4 (MANE Select); coding-DNA position 1570, C replaced by T.
Protein change: p.Arg524Trp; replaces arginine 524 with tryptophan.
Molecular consequence: missense variant. On other transcripts: non-coding transcript variant (1).
Genome position (GRCh38, 1-based): chr1:103,014,513, G>A on the plus strand (C>T on the coding strand, the complement: COL11A1 is on the minus strand). VCF-style: chr1-103014513-G-A. GRCh37 (hg19) VCF-style: chr1-103480069-G-A.
Other names: c.1606C>T, p.Arg536Trp (NM_080629.3); c.1222C>T, p.Arg408Trp (NM_080630.4); c.1453C>T, p.Arg485Trp (NM_001190709.2); short protein forms R408W, R485W, R524W, R536W.
Identifiers: ClinVar variation 1704154 (VCV001704154.4), dbSNP rs771139447, ClinGen allele CA974941.